The following is an entry in ClinVar:

NM_001194998.2(CEP152):c.2929del (p.Gln977fs)

Gene: CEP152 (centrosomal protein 152; minus strand). Cytogenetic location: 15q21.1.
Variant type: Deletion.
Coding change: c.2929del on transcript NM_001194998.2 (MANE Select); coding-DNA position 2929, one base deleted (C; older notation c.2929delC).
Protein change: p.Gln977fs; shifts the reading frame from glutamine 977.
Molecular consequence: frameshift variant.
Genome position (GRCh38, 1-based): chr15:48,756,319, G deleted on the plus strand (C on the coding strand, the reverse complement: CEP152 is on the minus strand). VCF-style (leftmost placement, unchanged base first): chr15-48756318-TG-T. GRCh37 (hg19) VCF-style: chr15-49048515-TG-T.
Other names: c.2929del, p.Gln977fs (NM_014985.4); short protein forms Q977fs.
Identifiers: ClinVar variation 2956093 (VCV002956093.3), dbSNP rs749901317, ClinGen allele CA7548443.

ClinVar aggregate classification (germline): Pathogenic (1 of 4 stars; one submission).

Allele frequency attached by ClinVar (database versions not stated): ExAC 0.00001; gnomAD 0.00001; gnomAD exomes 0.00001; TOPMed 0.00002.

Submission:

Labcorp Genetics (formerly Invitae), Labcorp
Classification: Pathogenic. Last evaluated: 2023-08-28. Review status: criteria provided, single submitter. Criteria: Invitae Variant Classification Sherloc (09022015). Collection method: clinical testing. Allele origin: germline.
Comment: For these reasons, this variant has been classified as Pathogenic. This variant has not been reported in the literature in individuals affected with CEP152-related conditions. This variant is present in population databases (rs749901317, gnomAD 0.004%). This sequence change creates a premature translational stop signal (p.Gln977Lysfs*7) in the CEP152 gene. It is expected to result in an absent or disrupted protein product. Loss-of-function variants in CEP152 are known to be pathogenic (PMID: 21131973).

Literature cited by the submitters: PubMed 21131973.